The following is an entry in ClinVar:

ClinVar aggregate classification (germline): Conflicting classifications of pathogenicity. Review status: criteria provided, conflicting classifications (1 of 4 stars). 11 submissions from 10 submitters: Uncertain significance (1); Benign (3); Likely benign (4). 3 of the submissions do not count toward it. Last evaluated 2026-03-01.

Conditions:
Usher syndrome type 1 (USH1). Also called: RETINITIS PIGMENTOSA AND CONGENITAL DEAFNESS. Identifiers: Orphanet 231169, Orphanet 886, MedGen C1568247, MONDO:0010168, OMIM 276900.
Usher syndrome type 1D (USH1D). Also called: USHER SYNDROME, TYPE ID. Identifiers: Orphanet 231169, Orphanet 886, MedGen C1832845, MONDO:0010984, OMIM 601067.
Autosomal recessive nonsyndromic hearing loss 12. Also called: DEAFNESS, AUTOSOMAL RECESSIVE 12. Identifiers: Orphanet 90636, MedGen C1832394, MONDO:0011067, OMIM 601386.

Allele frequency attached by ClinVar (database versions not stated): gnomAD exomes 0.00034 and 0.00080; ExAC 0.00117; ESP Exome Variant Server 0.00285; gnomAD 0.00306 and 0.00324; TOPMed 0.00346; 1000 Genomes Project 0.00379; 1000 Genomes Project 30x 0.00437.
gnomAD v4.1: 974 of 1,613,026 alleles (0.06%); highest among the groups gnomAD compares: African/African-American, 1.1%; 6 homozygotes.

Submissions (11):

CeGaT Center for Human Genetics Tuebingen
Classification: Likely benign. Last evaluated: 2026-03-01. Review status: criteria provided, single submitter. Criteria: CeGaT Center For Human Genetics Tuebingen Variant Classification Criteria Version 2. Collection method: clinical testing. Allele origin: germline. Affected: yes. Observed: 2 variant alleles.
Comment: CDH23: BP4, BS1

Labcorp Genetics (formerly Invitae), Labcorp
Classification: Benign. Last evaluated: 2026-01-28. Review status: criteria provided, single submitter. Criteria: Invitae Variant Classification Sherloc (09022015). Collection method: clinical testing. Allele origin: germline.

Blueprint Genetics
Classification: Likely benign. Last evaluated: 2024-11-21. Review status: criteria provided, single submitter. Criteria: ACMG Guidelines, 2015. Collection method: clinical testing. Allele origin: germline.

GeneDx
Classification: Likely benign. Last evaluated: 2021-01-05. Review status: criteria provided, single submitter. Criteria: GeneDx Variant Classification Process June 2021. Collection method: clinical testing. Allele origin: germline. Affected: yes.

Mayo Clinic Laboratories, Mayo Clinic
Classification: Benign. Last evaluated: 2020-10-01. Review status: criteria provided, single submitter. Criteria: ACMG Guidelines, 2015. Collection method: clinical testing. Allele origin: germline. Observed: 2 variant alleles.

Illumina Laboratory Services, Illumina
Classification: Likely benign for Usher syndrome type 1D. Last evaluated: 2018-01-13. Review status: criteria provided, single submitter. Criteria: ICSL Variant Classification Criteria 13 December 2019. Collection method: clinical testing. Allele origin: germline.
Comment: This variant was observed in the ICSL laboratory as part of a predisposition screen in an ostensibly healthy population. It had not been previously curated by ICSL or reported in the Human Gene Mutation Database (HGMD: prior to June 1st, 2018), and was therefore a candidate for classification through an automated scoring system. Utilizing variant allele frequency, disease prevalence and penetrance estimates, and inheritance mode, an automated score was calculated to assess if this variant is too frequent to cause the disease. Based on the score and internal cut-off values, a variant classified as likely benign is not then subjected to further curation. The score for this variant resulted in a classification of likely benign for this disease.

Illumina Laboratory Services, Illumina
Classification: Uncertain significance for Autosomal recessive nonsyndromic hearing loss 12. Last evaluated: 2018-01-13. Review status: criteria provided, single submitter. Criteria: ICSL Variant Classification Criteria 13 December 2019. Collection method: clinical testing. Allele origin: germline.

Laboratory for Molecular Medicine, Mass General Brigham Personalized Medicine
Classification: Benign. Last evaluated: 2012-04-30. Review status: criteria provided, single submitter. Criteria: LMM Criteria. Collection method: clinical testing. Allele origin: germline. Observed: 4 variant alleles.
Comment: Val1625Val in Exon 39 of CDH23: This variant is not expected to have clinical si gnificance because it does not alter an amino acid residue, is not located withi n the splice consensus sequence, and has been identified in 0.9% (30/3520) of Af rican American chromosomes from a broad population by the NHLBI Exome Sequencing Project (dbSNP rs149664909).

Natera, Inc.
Classification: Benign for Usher syndrome type 1. Last evaluated: 2019-12-17. Review status: no assertion criteria provided. Collection method: clinical testing. Allele origin: germline. Not counted in ClinVar's aggregate classification.

Clinical Genetics DNA and cytogenetics Diagnostics Lab, Erasmus MC, Erasmus Medical Center
Classification: Benign. Review status: no assertion criteria provided. Collection method: clinical testing. Allele origin: germline. Affected: yes. Study: VKGL Data-share Consensus. Not counted in ClinVar's aggregate classification.

Clinical Genetics, Academic Medical Center
Classification: Benign. Review status: no assertion criteria provided. Collection method: clinical testing. Allele origin: germline. Affected: yes. Study: VKGL Data-share Consensus. Not counted in ClinVar's aggregate classification.

NM_022124.6(CDH23):c.4875G>A (p.Val1625=)

Gene: CDH23 (cadherin related 23; plus strand). Cytogenetic location: 10q22.1.
Variant type: single nucleotide variant.
Coding change: c.4875G>A on transcript NM_022124.6 (MANE Select); coding-DNA position 4875, G replaced by A.
Protein change: p.Val1625=; no amino-acid change (valine 1625 retained).
Molecular consequence: synonymous variant.
Genome position (GRCh38, 1-based): chr10:71,777,709, G>A. VCF-style: chr10-71777709-G-A. GRCh37 (hg19) VCF-style: chr10-73537466-G-A.
Other names: p.Val1625=.
Identifiers: ClinVar variation 178304 (VCV000178304.37), dbSNP rs149664909, ClinGen allele CA182073.
Genomic context (GRCh38, chr10:71,777,709, plus strand): 5'-GACCAAGGACGTGACCCACTCTTTTCCACAGGCCACCACGCACGTGTACGTGACCATTGT[G>A]GATGAGAATGATAACGCGCCCATGTTCCAGCAGCCCCACTATGAGGTGCTGCTGGATGAG-3'
Protein context (NP_071407.4, residues 1615-1635): SATTHVYVTI[Val1625=]DENDNAPMFQ